The following is an entry in ClinVar:

NM_007294.4(BRCA1):c.5277+9C>T

Gene: BRCA1 (BRCA1 DNA repair associated; minus strand). Cytogenetic location: 17q21.31.
Variant type: single nucleotide variant.
Coding change: c.5277+9C>T on transcript NM_007294.4 (MANE Select); 9 bases into the intron after coding-DNA position 5277, C replaced by T.
Molecular consequence: intron variant.
Genome position (GRCh38, 1-based): chr17:43,057,043, G>A on the plus strand (C>T on the coding strand, the complement: BRCA1 is on the minus strand). VCF-style: chr17-43057043-G-A. GRCh37 (hg19) VCF-style: chr17-41209060-G-A.
Other names: c.4893+9C>T (NM_001407962.1, NM_001407960.1); c.1464+9C>T (NM_001408512.1); c.1587+9C>T (NM_001408510.1); c.5067+9C>T (NM_001407885.1, NM_001407886.1, NM_001407881.1 and 5 more transcripts); c.1821+9C>T (NM_001408470.1, NM_001408469.1, NM_001408468.1); c.5130+9C>T (NM_001407848.1, NM_001407839.1, NM_001407842.1 and 12 more transcripts); c.5133+9C>T (NM_001407745.1, NM_001407737.1, NM_001407746.1 and 21 more transcripts); c.5013+9C>T (NM_001407922.1, NM_001407925.1, NM_001407921.1 and 4 more transcripts); and 72 more.
Identifiers: ClinVar variation 868258 (VCV000868258.3), dbSNP rs1356169081, ClinGen allele CA916081118.

Conditions:
Breast-ovarian cancer, familial, susceptibility to, 1 (BROVCA1). Also called: BRCA1 Hereditary Breast and Ovarian Cancer; OVARIAN CANCER, SUSCEPTIBILITY TO. Identifiers: Orphanet 145, MedGen C2676676, MONDO:0011450, OMIM 604370. Disease mechanism: loss of function.

gnomAD v4.1: 1 of 1,613,822 alleles (0.000062%); highest among the groups gnomAD compares: Non-Finnish European, 0.000085%; no homozygotes.

Submission:

Brotman Baty Institute, University of Washington
No classification provided (evidence only). Condition: Breast-ovarian cancer, familial 1. Review status: no classification provided. Collection method: in vitro. Allele origin: not applicable. Functional consequence: functionally_normal.
ClinVar note: "not provided" was previously submitted as the classification for the variant. However, the classification appeared to be based only on an observation of functional data so it was converted to no classification on 2025-07-30.